The following is an entry in ClinVar:

ClinVar aggregate classification (germline): Uncertain significance (1 of 4 stars; one submission).

Conditions:
Emery-Dreifuss muscular dystrophy 4, autosomal dominant (EDMD4). Also called: EMERY-DREIFUSS MUSCULAR DYSTROPHY 4 WITH VARIABLE FEATURES. Identifiers: Orphanet 261, MedGen C2751807, MONDO:0013071, OMIM 612998.

Submission:

Baylor Genetics
Classification: Uncertain significance for Emery-Dreifuss muscular dystrophy 4, autosomal dominant. Last evaluated: 2020-02-06. Review status: criteria provided, single submitter. Criteria: ACMG Guidelines, 2015. Collection method: clinical testing. Allele origin: unknown. Affected: yes.
Comment: This variant was determined to be of uncertain significance according to ACMG Guidelines, 2015 [PMID:25741868].

NM_182961.4(SYNE1):c.17521G>A (p.Ala5841Thr)

Genes: SYNE1 (spectrin repeat containing nuclear envelope protein 1; minus strand), LOC129997480 (ATAC-STARR-seq lymphoblastoid active region 25287; plus strand). Cytogenetic location: 6q25.2.
Variant type: single nucleotide variant.
Coding change: c.17521G>A on transcript NM_182961.4 (MANE Select); coding-DNA position 17521, G replaced by A.
Protein change: p.Ala5841Thr; replaces alanine 5841 with threonine.
Molecular consequence: missense variant.
Genome position (GRCh38, 1-based): chr6:152,301,889, C>T on the plus strand (G>A on the coding strand, the complement: SYNE1 is on the minus strand). VCF-style: chr6-152301889-C-T. GRCh37 (hg19) VCF-style: chr6-152623024-C-T.
Other names: c.17308G>A, p.Ala5770Thr (NM_033071.5); short protein forms A5770T, A5841T.
Identifiers: ClinVar variation 1030074 (VCV001030074.1), dbSNP rs2095189465, ClinGen allele CA366103615.